The following is an entry in ClinVar:

ClinVar aggregate classification (germline): Uncertain significance. Review status: criteria provided, multiple submitters, no conflicts (2 of 4 stars). 7 submissions from 7 submitters: Uncertain significance (5). 2 of the submissions do not count toward it. Last evaluated 2026-03-04.

Conditions:
Hypertrophic cardiomyopathy. Also called: HYPERTROPHIC MYOCARDIOPATHY. Identifiers: Orphanet 217569, MedGen C0007194, MeSH D002312, MONDO:0005045, HP:0001639.
Cardiomyopathy (CMYO). Also called: Cardiomyopathies. Identifiers: Orphanet 167848, MedGen C0878544, MONDO:0004994, HP:0001638. Inheritance: Various modes of inheritance.
MYH7-related disorder. Also called: MYH7-related condition; MYH7-related disease; MYH7-related disorders.

Allele frequency attached by ClinVar (database versions not stated): gnomAD 0.00001; gnomAD exomes 0.00001; TOPMed 0.00001; ExAC 0.00002.
gnomAD v4.1: 5 of 1,612,770 alleles (0.00031%); highest among the groups gnomAD compares: Admixed American, 0.0017%; no homozygotes.

Submissions (7):

PreventionGenetics, part of Exact Sciences
Classification: Uncertain significance for MYH7-related condition. Last evaluated: 2026-03-04. Review status: criteria provided, single submitter. Criteria: ACMG Guidelines, 2015. Collection method: clinical testing. Allele origin: germline.
Comment: The MYH7 c.3274G>A variant is predicted to result in the amino acid substitution p.Ala1092Thr. This variant has been reported in one individual with hypertrophic cardiomyopathy (Supplemental table 1, Ho et al. 2018. PubMed ID: 30297972). This variant is reported in 0.0029% of alleles in individuals of Latino descent in gnomAD. At this time, the clinical significance of this variant is uncertain due to the absence of conclusive functional and genetic evidence.

Labcorp Genetics (formerly Invitae), Labcorp
Classification: Uncertain significance for Hypertrophic cardiomyopathy. Last evaluated: 2026-01-26. Review status: criteria provided, single submitter. Criteria: Invitae Variant Classification Sherloc (09022015). Collection method: clinical testing. Allele origin: germline.
Comment: This sequence change replaces alanine, which is neutral and non-polar, with threonine, which is neutral and polar, at codon 1092 of the MYH7 protein (p.Ala1092Thr). This variant is present in population databases (rs772216320, gnomAD 0.003%). This missense change has been observed in individual(s) with hypertrophic cardiomyopathy (PMID: 30297972). ClinVar contains an entry for this variant (Variation ID: 1284717). Invitae Evidence Modeling of protein sequence and biophysical properties (such as structural, functional, and spatial information, amino acid conservation, physicochemical variation, residue mobility, and thermodynamic stability) indicates that this missense variant is not expected to disrupt MYH7 protein function with a negative predictive value of 95%. In summary, the available evidence is currently insufficient to determine the role of this variant in disease. Therefore, it has been classified as a Variant of Uncertain Significance.

GeneDx
Classification: Uncertain significance. Last evaluated: 2025-03-19. Review status: criteria provided, single submitter. Criteria: GeneDx Variant Classification Process June 2021. Collection method: clinical testing. Allele origin: germline. Affected: yes.
Comment: Not observed at significant frequency in large population cohorts (gnomAD); In silico analysis indicates that this missense variant does not alter protein structure/function; Reported in patients with HCM in published; however, at least one individual harbored additional cardiogenetic variants and detailed clinical information was not provided for all patients (PMID: 30297972, 29875424, 30847666); This variant is associated with the following publications: (PMID: 30297972, 30847666, 29875424)

Color Diagnostics, LLC DBA Color Health
Classification: Uncertain significance for Cardiomyopathy. Last evaluated: 2022-07-25. Review status: criteria provided, single submitter. Criteria: ACMG Guidelines, 2015. Collection method: clinical testing. Allele origin: germline.
Comment: This missense variant replaces alanine with threonine at codon 1092 of the MYH7 protein. Computational prediction suggests that this variant may not impact protein structure and function (internally defined REVEL score threshold <= 0.5, PMID: 27666373). To our knowledge, functional studies have not been reported for this variant. This variant has been reported in at least 1 individual affected with hypertrophic cardiomyopathy (PMID: 30297972). This variant has been identified in 3/251426 chromosomes in the general population by the Genome Aggregation Database (gnomAD). The available evidence is insufficient to determine the role of this variant in disease conclusively. Therefore, this variant is classified as a Variant of Uncertain Significance.

CHEO Genetics Diagnostic Laboratory, Children's Hospital of Eastern Ontario
Classification: Uncertain significance for Cardiomyopathy. Last evaluated: 2021-10-12. Review status: criteria provided, single submitter. Criteria: ACMG Guidelines, 2015. Collection method: clinical testing. Allele origin: germline.

Clinical Genetics, Academic Medical Center
Classification: Uncertain significance. Review status: no assertion criteria provided. Collection method: clinical testing. Allele origin: germline. Affected: yes. Study: VKGL Data-share Consensus. Not counted in ClinVar's aggregate classification.

Diagnostic Laboratory, Department of Genetics, University Medical Center Groningen
Classification: Uncertain significance. Review status: no assertion criteria provided. Collection method: clinical testing. Allele origin: germline. Affected: yes. Study: VKGL Data-share Consensus. Not counted in ClinVar's aggregate classification.

Literature cited by the submitters: PubMed 30297972 (cited by Labcorp Genetics (formerly Invitae), Labcorp and Color Diagnostics, LLC DBA Color Health).

NM_000257.4(MYH7):c.3274G>A (p.Ala1092Thr)

Gene: MYH7 (myosin heavy chain 7; minus strand). Cytogenetic location: 14q11.2.
Variant type: single nucleotide variant.
Coding change: c.3274G>A on transcript NM_000257.4 (MANE Select); coding-DNA position 3274, G replaced by A.
Protein change: p.Ala1092Thr; replaces alanine 1092 with threonine.
Molecular consequence: missense variant.
Genome position (GRCh38, 1-based): chr14:23,421,020, C>T on the plus strand (G>A on the coding strand, the complement: MYH7 is on the minus strand). VCF-style: chr14-23421020-C-T. GRCh37 (hg19) VCF-style: chr14-23890229-C-T.
Other names: c.3274G>A (NM_000257.2, NM_000257.3); short protein forms A1092T.
Identifiers: ClinVar variation 1284717 (VCV001284717.12), dbSNP rs772216320, ClinGen allele CA036593.